The following is an entry in ClinVar:

ClinVar aggregate classification (germline): Benign. Review status: criteria provided, multiple submitters, no conflicts (2 of 4 stars). 2 submissions from 2 submitters: Benign (2). Last evaluated 2018-06-14.

Allele frequency attached by ClinVar (database versions not stated): gnomAD exomes 0.00459 and 0.01028; ExAC 0.01276; gnomAD 0.03576 and 0.03820; TOPMed 0.04064; ESP Exome Variant Server 0.04185; 1000 Genomes Project 0.04253; 1000 Genomes Project 30x 0.04638.
gnomAD v4.1: 9,314 of 946,130 alleles (0.98%); highest among the groups gnomAD compares: African/African-American, 12%; 529 homozygotes.

Submissions (2):

GeneDx
Classification: Benign. Last evaluated: 2018-06-14. Review status: criteria provided, single submitter. Criteria: GeneDx Variant Classification (06012015). Collection method: clinical testing. Allele origin: germline. Affected: yes.
Comment: This variant is considered likely benign or benign based on one or more of the following criteria: it is a conservative change, it occurs at a poorly conserved position in the protein, it is predicted to be benign by multiple in silico algorithms, and/or has population frequency not consistent with disease.

Breakthrough Genomics
Classification: Benign. Review status: criteria provided, single submitter. Criteria: ACMG Guidelines, 2015. Collection method: not provided. Allele origin: germline. Inheritance: Autosomal dominant inheritance. Affected: yes.

NM_006939.4(SOS2):c.2785+44T>C

Gene: SOS2 (SOS Ras/Rho guanine nucleotide exchange factor 2; minus strand). Cytogenetic location: 14q21.3.
Variant type: single nucleotide variant.
Coding change: c.2785+44T>C on transcript NM_006939.4 (MANE Select); 44 bases into the intron after coding-DNA position 2785, T replaced by C.
Molecular consequence: intron variant.
Genome position (GRCh38, 1-based): chr14:50,139,898, A>G on the plus strand (T>C on the coding strand, the complement: SOS2 is on the minus strand). VCF-style: chr14-50139898-A-G. GRCh37 (hg19) VCF-style: chr14-50606616-A-G.
Identifiers: ClinVar variation 561651 (VCV000561651.2), dbSNP rs17122174, ClinGen allele CA7176942.